The following is an entry in ClinVar:

NM_000222.3(KIT):c.56G>A (p.Arg19His)

Gene: KIT (KIT proto-oncogene, receptor tyrosine kinase; plus strand). Cytogenetic location: 4q12.
Variant type: single nucleotide variant.
Coding change: c.56G>A on transcript NM_000222.3 (MANE Select); coding-DNA position 56, G replaced by A.
Protein change: p.Arg19His; replaces arginine 19 with histidine.
Molecular consequence: missense variant.
Genome position (GRCh38, 1-based): chr4:54,658,070, G>A. VCF-style: chr4-54658070-G-A. GRCh37 (hg19) VCF-style: chr4-55524237-G-A.
Other names: c.56G>A, p.Arg19His (NM_001093772.2, NM_001385284.1, NM_001385285.1 and 4 more transcripts); short protein forms R19H.
Identifiers: ClinVar variation 825911 (VCV000825911.12), dbSNP rs747253141, ClinGen allele CA2923121.
Genomic context (GRCh38, chr4:54,658,070, plus strand): 5'-CCGCGATGAGAGGCGCTCGCGGCGCCTGGGATTTTCTCTGCGTTCTGCTCCTACTGCTTC[G>A]CGTCCAGACAGGTGGGACACCGCGGCTGGCACCCCGACCGTGCGACTACTCGGCGAAGCC-3'
Protein context (NP_000213.1, residues 9-29): DFLCVLLLLL[Arg19His]VQTGSSQPSV

ClinVar aggregate classification (germline): Uncertain significance. Review status: criteria provided, multiple submitters, no conflicts (2 of 4 stars). 2 submissions from 2 submitters: Uncertain significance (2). Last evaluated 2025-09-05.

Conditions:
Hereditary cancer-predisposing syndrome. Also called: Neoplastic Syndromes, Hereditary; Tumor predisposition; Hereditary Cancer Syndrome; Hereditary neoplastic syndrome. Identifiers: Orphanet 140162, MedGen C0027672, MeSH D009386, MONDO:0015356.
Gastrointestinal stromal tumor. Also called: Gastrointestinal stromal tumor, somatic; Gastrointestinal stroma tumor. Identifiers: Orphanet 44890, MedGen C0238198, MeSH D046152, MONDO:0011719, OMIM 606764, HP:0100723.

gnomAD v4.1: 12 of 1,613,854 alleles (0.00074%); highest among the groups gnomAD compares: East Asian, 0.025%; no homozygotes.

Submissions (2):

Labcorp Genetics (formerly Invitae), Labcorp
Classification: Uncertain significance for Gastrointestinal stromal tumor. Last evaluated: 2025-09-05. Review status: criteria provided, single submitter. Criteria: Invitae Variant Classification Sherloc (09022015). Collection method: clinical testing. Allele origin: germline.
Comment: This sequence change replaces arginine, which is basic and polar, with histidine, which is basic and polar, at codon 19 of the KIT protein (p.Arg19His). This variant is present in population databases (rs747253141, gnomAD 0.01%). This variant has not been reported in the literature in individuals affected with KIT-related conditions. ClinVar contains an entry for this variant (Variation ID: 825911). An algorithm developed to predict the effect of missense changes on protein structure and function outputs the following: PolyPhen-2: "Benign". The histidine amino acid residue is found in multiple mammalian species, which suggests that this missense change does not adversely affect protein function. In summary, the available evidence is currently insufficient to determine the role of this variant in disease. Therefore, it has been classified as a Variant of Uncertain Significance.

Ambry Genetics
Classification: Uncertain significance for Hereditary cancer-predisposing syndrome. Last evaluated: 2019-07-31. Review status: criteria provided, single submitter. Criteria: Ambry Variant Classification Scheme 2023. Collection method: clinical testing. Allele origin: germline.
Comment: The p.R19H variant (also known as c.56G>A), located in coding exon 1 of the KIT gene, results from a G to A substitution at nucleotide position 56. The arginine at codon 19 is replaced by histidine, an amino acid with highly similar properties. This amino acid position is poorly conserved in available vertebrate species. In addition, this alteration is predicted to be tolerated by in silico analysis. Since supporting evidence is limited at this time, the clinical significance of this alteration remains unclear.